The following is an entry in ClinVar:

NM_080632.3(UPF3B):c.240del (p.Phe80fs)

Gene: UPF3B (UPF3B regulator of nonsense mediated mRNA decay; minus strand). Cytogenetic location: Xq24.
Variant type: Deletion.
Coding change: c.240del on transcript NM_080632.3 (MANE Select); coding-DNA position 240, one base deleted (T; older notation c.240delT).
Protein change: p.Phe80fs; shifts the reading frame from phenylalanine 80.
Molecular consequence: frameshift variant.
Genome position (GRCh38, 1-based): chrX:119,851,790, A deleted on the plus strand (T on the coding strand, the reverse complement: UPF3B is on the minus strand); the first of 4 consecutive A bases (chrX:119,851,790-119,851,793); deleting any one gives the same sequence. VCF-style (leftmost placement, unchanged base first): chrX-119851789-CA-C. GRCh37 (hg19) VCF-style: chrX-118985752-CA-C.
Other names: c.240del, p.Phe80fs (NM_023010.4); short protein forms F80fs.
Identifiers: ClinVar variation 3027439 (VCV003027439.1), dbSNP rs2521576667, ClinGen allele CA2740092265.

ClinVar aggregate classification (germline): Likely pathogenic (1 of 4 stars; one submission).

Conditions:
Intellectual developmental disorder, X-linked, syndromic 14. Also called: Syndromic X-linked intellectual disability 14. Identifiers: Orphanet 776, MedGen C1970822, MONDO:0010398, OMIM 300676.

Submission:

Human Genetics Bochum, Ruhr University Bochum
Classification: Likely pathogenic for Intellectual developmental disorder, X-linked, syndromic 14. Last evaluated: 2023-08-18. Review status: criteria provided, single submitter. Criteria: ACMG Guidelines, 2015. Collection method: clinical testing. Allele origin: germline. Affected: yes.
Comment: ACMG criteria used to clasify this variant: PVS1, PM2_SUP